The following is an entry in ClinVar:

NM_005585.5(SMAD6):c.605C>T (p.Pro202Leu)

Gene: SMAD6 (SMAD family member 6; plus strand). Cytogenetic location: 15q22.31.
Variant type: single nucleotide variant.
Coding change: c.605C>T on transcript NM_005585.5 (MANE Select); coding-DNA position 605, C replaced by T.
Protein change: p.Pro202Leu; replaces proline 202 with leucine.
Molecular consequence: missense variant. On other transcripts: non-coding transcript variant (1).
Genome position (GRCh38, 1-based): chr15:66,703,863, C>T. VCF-style: chr15-66703863-C-T. GRCh37 (hg19) VCF-style: chr15-66996201-C-T.
Other names: short protein forms P202L.
Identifiers: ClinVar variation 2741208 (VCV002741208.4), dbSNP rs1299492423, ClinGen allele CA392949881.

ClinVar aggregate classification (germline): Uncertain significance. Review status: criteria provided, multiple submitters, no conflicts (2 of 4 stars). 2 submissions from 2 submitters: Uncertain significance (2). Last evaluated 2026-01-06.

Conditions:
Aortic valve disease 2 (AOVD2). Identifiers: MedGen C3542024, MONDO:0013902, OMIM 614823.

Allele frequency attached by ClinVar (database versions not stated): gnomAD 0.00001; TOPMed 0.00001.
gnomAD v4.1: 5 of 1,340,084 alleles (0.00037%); highest among the groups gnomAD compares: Admixed American, 0.0053%; no homozygotes.

Submissions (2):

Labcorp Genetics (formerly Invitae), Labcorp
Classification: Uncertain significance for Aortic valve disease 2. Last evaluated: 2026-01-06. Review status: criteria provided, single submitter. Criteria: Invitae Variant Classification Sherloc (09022015). Collection method: clinical testing. Allele origin: germline.
Comment: This sequence change replaces proline, which is neutral and non-polar, with leucine, which is neutral and non-polar, at codon 202 of the SMAD6 protein (p.Pro202Leu). The frequency data for this variant in the population databases is considered unreliable, as metrics indicate poor data quality at this position in the gnomAD database. This variant has not been reported in the literature in individuals affected with SMAD6-related conditions. ClinVar contains an entry for this variant (Variation ID: 2741208). Invitae Evidence Modeling of protein sequence and biophysical properties (such as structural, functional, and spatial information, amino acid conservation, physicochemical variation, residue mobility, and thermodynamic stability) indicates that this missense variant is not expected to disrupt SMAD6 protein function with a negative predictive value of 80%. In summary, the available evidence is currently insufficient to determine the role of this variant in disease. Therefore, it has been classified as a Variant of Uncertain Significance.

Blueprint Genetics
Classification: Uncertain significance. Last evaluated: 2023-12-27. Review status: criteria provided, single submitter. Criteria: ACMG Guidelines, 2015. Collection method: clinical testing. Allele origin: germline.